The following is an entry in ClinVar:

NM_001042492.3(NF1):c.3730G>A (p.Val1244Ile)

Gene: NF1 (neurofibromin 1; plus strand). Cytogenetic location: 17q11.2.
Variant type: single nucleotide variant.
Coding change: c.3730G>A on transcript NM_001042492.3 (MANE Select); coding-DNA position 3730, G replaced by A.
Protein change: p.Val1244Ile; replaces valine 1244 with isoleucine.
Molecular consequence: missense variant.
Genome position (GRCh38, 1-based): chr17:31,235,632, G>A. VCF-style: chr17-31235632-G-A. GRCh37 (hg19) VCF-style: chr17-29562650-G-A.
Other names: c.3730G>A, p.Val1244Ile (NM_000267.4); short protein forms V1244I.
Identifiers: ClinVar variation 1373857 (VCV001373857.7), dbSNP rs2067186026, ClinGen allele CA398992359.
Genomic context (GRCh38, chr17:31,235,632, plus strand): 5'-GGGATTGTTTGCACTAACCTGATTTTGTTTTGTTCTCAGGATGAACTAGCTCGAGTTCTG[G>A]TTACTCTGTTTGATTCTCGGCATTTACTCTACCAACTGCTCTGGAACATGTTTTCTAAAG-3'
Protein context (NP_001035957.1, residues 1234-1254): SQWDELARVL[Val1244Ile]TLFDSRHLLY

ClinVar aggregate classification (germline): Uncertain significance. Review status: criteria provided, multiple submitters, no conflicts (2 of 4 stars). 2 submissions from 2 submitters: Uncertain significance (2). Last evaluated 2026-01-17.

Conditions:
Neurofibromatosis, type 1 (NF1). Also called: Peripheral type neurofibromatosis; Neurofibromatosis, type I; NEUROFIBROMATOSIS, TYPE I, SOMATIC; VON RECKLINGHAUSEN DISEASE. Identifiers: Orphanet 636, MedGen C0027831, MONDO:0018975, OMIM 162200. Disease mechanism: loss of function.

Allele frequency attached by ClinVar (database versions not stated): TOPMed below 0.00001; gnomAD 0.00001.
gnomAD v4.1: 2 of 1,613,878 alleles (0.00012%); highest among the groups gnomAD compares: Non-Finnish European, 0.00017%; no homozygotes.

Submissions (2):

Labcorp Genetics (formerly Invitae), Labcorp
Classification: Uncertain significance for Neurofibromatosis, type 1. Last evaluated: 2026-01-17. Review status: criteria provided, single submitter. Criteria: Invitae Variant Classification Sherloc (09022015). Collection method: clinical testing. Allele origin: germline.
Comment: This sequence change replaces valine, which is neutral and non-polar, with isoleucine, which is neutral and non-polar, at codon 1244 of the NF1 protein (p.Val1244Ile). This variant is not present in population databases (gnomAD no frequency). This variant has not been reported in the literature in individuals affected with NF1-related conditions. ClinVar contains an entry for this variant (Variation ID: 1373857). Invitae Evidence Modeling of protein sequence and biophysical properties (such as structural, functional, and spatial information, amino acid conservation, physicochemical variation, residue mobility, and thermodynamic stability) has been performed for this missense variant. However, the output from this modeling did not meet the statistical confidence thresholds required to predict the impact of this variant on NF1 protein function. In summary, the available evidence is currently insufficient to determine the role of this variant in disease. Therefore, it has been classified as a Variant of Uncertain Significance.

Quest Diagnostics Nichols Institute San Juan Capistrano
Classification: Uncertain significance. Last evaluated: 2025-11-09. Review status: criteria provided, single submitter. Criteria: Quest Diagnostics criteria. Collection method: clinical testing. Allele origin: unknown.